The following is an entry in ClinVar:

ClinVar aggregate classification (germline): Uncertain significance (1 of 4 stars; one submission).

gnomAD v4.1: 1 of 1,613,066 alleles (0.000062%); highest among the groups gnomAD compares: Non-Finnish European, 0.000085%; no homozygotes.

Submission:

Dasa
Classification: Uncertain significance. Last evaluated: 2026-01-09. Review status: criteria provided, single submitter. Criteria: DASA Assertion Criteria. Collection method: clinical testing. Allele origin: germline.
Comment: NM_001164508.2(NEB):c.21610G>A (p.Val7204Ile) is a missense variant that results in the substitution of valine with isoleucine. This variant is rare in population databases. The currently available literature and clinical evidence are not sufficient to establish a definitive association between this variant and the reported condition. Therefore, this variant is classified as a variant of uncertain significance.

NM_001164508.2(NEB):c.21610G>A (p.Val7204Ile)

Genes: RIF1 (replication timing regulatory factor 1; plus strand), NEB (nebulin; minus strand). Cytogenetic location: 2q23.3.
Variant type: single nucleotide variant.
Coding change: c.21610G>A on transcript NM_001164508.2 (MANE Select); coding-DNA position 21610, G replaced by A.
Protein change: p.Val7204Ile; replaces valine 7204 with isoleucine.
Molecular consequence: missense variant.
Genome position (GRCh38, 1-based): chr2:151,531,014, C>T on the plus strand (G>A on the coding strand, the complement: NEB is on the minus strand). VCF-style: chr2-151531014-C-T. GRCh37 (hg19) VCF-style: chr2-152387528-C-T.
Other names: c.21715G>A, p.Val7239Ile (NM_001271208.2); c.16507G>A, p.Val5503Ile (NM_004543.5); c.21610G>A, p.Val7204Ile (NM_001164507.2); short protein forms V5503I, V7204I, V7239I.
Identifiers: ClinVar variation 4885264 (VCV004885264.2).